The following is an entry in ClinVar:

ClinVar aggregate classification (germline): Uncertain significance. Review status: criteria provided, multiple submitters, no conflicts (2 of 4 stars). 2 submissions from 2 submitters: Uncertain significance (2). Last evaluated 2025-11-12.

Conditions:
Charcot-Marie-Tooth disease. Also called: Charcot-Marie-Tooth Hereditary Neuropathy; Charcot-Marie-Tooth Neuropathy. Identifiers: Orphanet 166, MedGen C0007959, MONDO:0015626.
Charcot-Marie-Tooth disease, type I (CMT1). Also called: Charcot-Marie-Tooth disease type 1; Charcot-Marie-Tooth, Type 1. Identifiers: Orphanet 65753, MedGen C0751036, MONDO:0019011.

Allele frequency attached by ClinVar (database versions not stated): gnomAD exomes below 0.00001.
gnomAD v4.1: 1 of 1,614,246 alleles (0.000062%); highest among the groups gnomAD compares: Non-Finnish European, 0.000085%; no homozygotes.

Submissions (2):

Labcorp Genetics (formerly Invitae), Labcorp
Classification: Uncertain significance for Charcot-Marie-Tooth disease, type I. Last evaluated: 2025-11-12. Review status: criteria provided, single submitter. Criteria: Invitae Variant Classification Sherloc (09022015). Collection method: clinical testing. Allele origin: germline.
Comment: This sequence change replaces lysine, which is basic and polar, with asparagine, which is neutral and polar, at codon 204 of the MPZ protein (p.Lys204Asn). This variant is not present in population databases (gnomAD no frequency). This missense change has been observed in individual(s) with Charcot-Marie-Tooth disease (PMID: 32376792). ClinVar contains an entry for this variant (Variation ID: 917378). An algorithm developed to predict the effect of missense changes on protein structure and function (PolyPhen-2) suggests that this variant is likely to be disruptive. This variant disrupts the p.Lys204 amino acid residue in MPZ. Other variant(s) that disrupt this residue have been determined to be pathogenic (PMID: 20544920). This suggests that this residue is clinically significant, and that variants that disrupt this residue are likely to be disease-causing. In summary, the available evidence is currently insufficient to determine the role of this variant in disease. Therefore, it has been classified as a Variant of Uncertain Significance.

Molecular Genetics Laboratory, London Health Sciences Centre
Classification: Uncertain significance for Charcot-Marie-Tooth disease. Review status: criteria provided, single submitter. Criteria: ACMG Guidelines, 2015. Collection method: clinical testing. Allele origin: germline. Affected: yes.

Literature cited by the submitters: PubMed 32376792 (cited by Labcorp Genetics (formerly Invitae), Labcorp); PubMed 20544920 (cited by Labcorp Genetics (formerly Invitae), Labcorp).

NM_000530.8(MPZ):c.612G>C (p.Lys204Asn)

Gene: MPZ (myelin protein zero; minus strand). Cytogenetic location: 1q23.3.
Variant type: single nucleotide variant.
Coding change: c.612G>C on transcript NM_000530.8 (MANE Select); coding-DNA position 612, G replaced by C.
Protein change: p.Lys204Asn; replaces lysine 204 with asparagine.
Molecular consequence: missense variant.
Genome position (GRCh38, 1-based): chr1:161,306,141, C>G on the plus strand (G>C on the coding strand, the complement: MPZ is on the minus strand). VCF-style: chr1-161306141-C-G. GRCh37 (hg19) VCF-style: chr1-161275931-C-G.
Other names: c.612G>C, p.Lys204Asn (NM_001315491.2); short protein forms K204N.
Identifiers: ClinVar variation 917378 (VCV000917378.6), dbSNP rs1670234637, ClinGen allele CA343344820.